The following is an entry in ClinVar:

ClinVar aggregate classification (germline): Conflicting classifications of pathogenicity. Review status: criteria provided, conflicting classifications (1 of 4 stars). 5 submissions from 5 submitters: Uncertain significance (2); Likely benign (3). Last evaluated 2026-01-24.

Conditions:
Inborn genetic diseases. Identifiers: MedGen C0950123, MeSH D030342.
Dyskeratosis congenita, autosomal recessive 5 (DKCB5). Identifiers: MedGen C3554656, MONDO:0014076, OMIM 615190.
Pulmonary fibrosis and/or bone marrow failure, Telomere-related, 3. Also called: PULMONARY FIBROSIS AND/OR BONE MARROW FAILURE SYNDROME, TELOMERE-RELATED, 3. Identifiers: Orphanet 2032, MedGen C4225346, MONDO:0014613, OMIM 616373.
Dyskeratosis congenita. Identifiers: Orphanet 1775, MedGen C0265965, MONDO:0015780.

gnomAD v4.1: 22 of 1,612,154 alleles (0.0014%); highest among the groups gnomAD compares: Non-Finnish European, 0.0019%; no homozygotes.

Submissions (5):

Labcorp Genetics (formerly Invitae), Labcorp
Classification: Likely benign for Dyskeratosis congenita, autosomal recessive 5; Pulmonary fibrosis and/or bone marrow failure, Telomere-related, 3. Last evaluated: 2026-01-24. Review status: criteria provided, single submitter. Criteria: Invitae Variant Classification Sherloc (09022015). Collection method: clinical testing. Allele origin: germline.

ARUP Laboratories, Molecular Genetics and Genomics, ARUP Laboratories
Classification: Likely benign. Last evaluated: 2025-06-02. Review status: criteria provided, single submitter. Criteria: ARUP Molecular Germline Variant Investigation Process 2024. Collection method: clinical testing. Allele origin: germline.

GeneDx
Classification: Uncertain significance. Last evaluated: 2023-06-28. Review status: criteria provided, single submitter. Criteria: GeneDx Variant Classification Process June 2021. Collection method: clinical testing. Allele origin: germline. Affected: yes.
Comment: Not observed at significant frequency in large population cohorts (gnomAD); In silico analysis supports that this variant does not alter splicing; Has not been previously published as pathogenic or benign to our knowledge

Sema4
Classification: Uncertain significance for Dyskeratosis congenita. Last evaluated: 2021-08-11. Review status: criteria provided, single submitter. Criteria: Sema4 Curation Guidelines. Collection method: curation. Allele origin: germline.
Comment: The RTEL1 c.2869C>A (p.R957=) variant has not been reported in the literature to our knowledge. It was observed in 3/111902 chromosomes of the Non-Finnish European subpopulation in the large and broad cohorts of the Genome Aggregation Database (PMID: 32461654). The variant has been reported in ClinVar (Variation ID 1141972). The variant involves a highly conserved nucleotide, and in silico tools calculate a creation of new binding sites for exonic splicing enhancers, though these predictions have not been confirmed by functional studies. The evidence is insufficient to meet ACMG/AMP criteria for classifying the variant as benign or pathogenic. Thus, the clinical significance of this variant is currently uncertain.

Ambry Genetics
Classification: Likely benign for Inborn genetic diseases. Last evaluated: 2020-08-12. Review status: criteria provided, single submitter. Criteria: Ambry Variant Classification Scheme 2023. Collection method: clinical testing. Allele origin: germline.

NM_001283009.2(RTEL1):c.2869C>A (p.Arg957=)

Genes: RTEL1-TNFRSF6B (RTEL1-TNFRSF6B readthrough (NMD candidate); plus strand), RTEL1 (regulator of telomere elongation helicase 1; plus strand). Cytogenetic location: 20q13.33.
Variant type: single nucleotide variant.
Coding change: c.2869C>A on transcript NM_001283009.2 (MANE Select); coding-DNA position 2869, C replaced by A.
Protein change: p.Arg957=; no amino-acid change (arginine 957 retained).
Molecular consequence: synonymous variant. On other transcripts: non-coding transcript variant (1).
Genome position (GRCh38, 1-based): chr20:63,693,160, C>A. VCF-style: chr20-63693160-C-A. GRCh37 (hg19) VCF-style: chr20-62324513-C-A.
Other names: c.2200C>A, p.Arg734= (NM_001283010.1); c.2869C>A, p.Arg957= (NM_016434.4); c.2941C>A, p.Arg981= (NM_032957.5).
Identifiers: ClinVar variation 1141972 (VCV001141972.14), dbSNP rs398123018, ClinGen allele CA9965637.